The following is an entry in ClinVar:

ClinVar aggregate classification (germline): Likely benign (1 of 4 stars; one submission).

Allele frequency attached by ClinVar (database versions not stated): 1000 Genomes Project 30x 0.00265; 1000 Genomes Project 0.00280; ExAC 0.00533; ESP Exome Variant Server 0.00698; gnomAD exomes 0.00929; gnomAD 0.00624; TOPMed 0.00627.
gnomAD v4.1: 14,600 of 1,612,518 alleles (0.91%); highest among the groups gnomAD compares: Middle Eastern, 1.2%; 125 homozygotes.

Submission:

CeGaT Center for Human Genetics Tuebingen
Classification: Likely benign. Last evaluated: 2023-03-01. Review status: criteria provided, single submitter. Criteria: CeGaT Center For Human Genetics Tuebingen Variant Classification Criteria Version 2. Collection method: clinical testing. Allele origin: germline. Affected: yes. Observed: 1 variant allele.
Comment: CDK5RAP3: BP4, BP7, BS2; ENSG00000263798: BS2

NM_176096.3(CDK5RAP3):c.828A>C (p.Ala276=)

Gene: CDK5RAP3 (CDK5 regulatory subunit associated protein 3; plus strand). Cytogenetic location: 17q21.32.
Variant type: single nucleotide variant.
Coding change: c.828A>C on transcript NM_176096.3 (MANE Select); coding-DNA position 828, A replaced by C.
Protein change: p.Ala276=; no amino-acid change (alanine 276 retained).
Molecular consequence: synonymous variant.
Genome position (GRCh38, 1-based): chr17:47,976,741, A>C. VCF-style: chr17-47976741-A-C. GRCh37 (hg19) VCF-style: chr17-46054107-A-C.
Other names: c.903A>C, p.Ala301= (NM_001278197.2); c.153A>C, p.Ala51= (NM_001278198.2, NM_001278216.2); c.567A>C, p.Ala189= (NM_001278217.2).
Identifiers: ClinVar variation 2647881 (VCV002647881.23), dbSNP rs61749926, ClinGen allele CA8629797.
Genomic context (GRCh38, chr17:47,976,741, plus strand): 5'-CCATGAGCTAACACTCTCTTTCCCTTTCCAGATTGACTGGGGCGACTTTGGGGTAGAGGC[A>C]GTGTCTGAGGGGACTGACTCTGGCATCTCTGCCGAGGCTGCTGGAATCGACTGGGGCATC-3'
Protein context (NP_788276.1, residues 266-286): AIDWGDFGVE[Ala276=]VSEGTDSGIS